The following is an entry in ClinVar:

NM_001134363.3(RBM20):c.901G>T (p.Ala301Ser)

Gene: RBM20 (RNA binding motif protein 20; plus strand). Cytogenetic location: 10q25.2.
Variant type: single nucleotide variant.
Coding change: c.901G>T on transcript NM_001134363.3 (MANE Select); coding-DNA position 901, G replaced by T.
Protein change: p.Ala301Ser; replaces alanine 301 with serine.
Molecular consequence: missense variant.
Genome position (GRCh38, 1-based): chr10:110,781,510, G>T. VCF-style: chr10-110781510-G-T. GRCh37 (hg19) VCF-style: chr10-112541268-G-T.
Other names: short protein forms A301S.
Identifiers: ClinVar variation 3729972 (VCV003729972.2).
Genomic context (GRCh38, chr10:110,781,510, plus strand): 5'-GATTTTTACGGACCCAACTCCCAAGGTTCACATGTGGCCAGCGGATTTCCAGCTGAGCAG[G>T]CTGGGGGCCTGAAAAGTGAGGTCGGGCCACTGCTGCAGGGCACAAACAGCCAATGGGAGA-3'
Protein context (NP_001127835.2, residues 291-311): HVASGFPAEQ[Ala301Ser]GGLKSEVGPL

ClinVar aggregate classification (germline): Uncertain significance (1 of 4 stars; one submission).

Conditions:
Dilated cardiomyopathy 1DD (CMD1DD). Identifiers: Orphanet 154, MedGen C2750995, MONDO:0013168, OMIM 613172.

Submission:

Labcorp Genetics (formerly Invitae), Labcorp
Classification: Uncertain significance for Dilated cardiomyopathy 1DD. Last evaluated: 2024-08-04. Review status: criteria provided, single submitter. Criteria: Invitae Variant Classification Sherloc (09022015). Collection method: clinical testing. Allele origin: germline.
Comment: This sequence change replaces alanine, which is neutral and non-polar, with serine, which is neutral and polar, at codon 301 of the RBM20 protein (p.Ala301Ser). This variant is not present in population databases (gnomAD no frequency). This variant has not been reported in the literature in individuals affected with RBM20-related conditions. Advanced modeling of protein sequence and biophysical properties (such as structural, functional, and spatial information, amino acid conservation, physicochemical variation, residue mobility, and thermodynamic stability) performed at Invitae indicates that this missense variant is not expected to disrupt RBM20 protein function with a negative predictive value of 95%. In summary, the available evidence is currently insufficient to determine the role of this variant in disease. Therefore, it has been classified as a Variant of Uncertain Significance.